The following is an entry in ClinVar:

NM_004415.4(DSP):c.4392A>G (p.Arg1464=)

Gene: DSP (desmoplakin; plus strand). Cytogenetic location: 6p24.3.
Variant type: single nucleotide variant.
Coding change: c.4392A>G on transcript NM_004415.4 (MANE Select); coding-DNA position 4392, A replaced by G.
Protein change: p.Arg1464=; no amino-acid change (arginine 1464 retained).
Molecular consequence: synonymous variant. On other transcripts: intron variant (2).
Genome position (GRCh38, 1-based): chr6:7,580,582, A>G. VCF-style: chr6-7580582-A-G. GRCh37 (hg19) VCF-style: chr6-7580815-A-G.
Other names: c.4050+342A>G (NM_001319034.2); c.3582+810A>G (NM_001008844.3).
Identifiers: ClinVar variation 2170991 (VCV002170991.5), dbSNP rs776164777, ClinGen allele CA041282.

ClinVar aggregate classification (germline): Likely benign. Review status: criteria provided, multiple submitters, no conflicts (2 of 4 stars). 2 submissions from 2 submitters: Likely benign (2). Last evaluated 2025-08-16.

Conditions:
Arrhythmogenic right ventricular dysplasia 8 (ARVD8). Also called: Arrhythmogenic Right Ventricular Dysplasia/Cardiomyopathy 8; ARRHYTHMOGENIC RIGHT VENTRICULAR DYSPLASIA, FAMILIAL, 8; ARRHYTHMOGENIC RIGHT VENTRICULAR CARDIOMYOPATHY 8. Identifiers: MedGen C1843896, MONDO:0011831, OMIM 607450.
Arrhythmogenic cardiomyopathy with wooly hair and keratoderma. Also called: PALMOPLANTAR KERATODERMA WITH LEFT VENTRICULAR CARDIOMYOPATHY AND WOOLLY HAIR; Carvajal syndrome; Dilated cardiomyopathy with woolly hair and keratoderma; Arrhythmogenic cardiomyopathy with woolly hair and keratoderma. Identifiers: Orphanet 65282, MedGen C1854063, MONDO:0011581, OMIM 605676.

Allele frequency attached by ClinVar (database versions not stated): TOPMed below 0.00001; ExAC 0.00001.

Submissions (2):

Labcorp Genetics (formerly Invitae), Labcorp
Classification: Likely benign for Arrhythmogenic cardiomyopathy with wooly hair and keratoderma; Arrhythmogenic right ventricular dysplasia 8. Last evaluated: 2025-08-16. Review status: criteria provided, single submitter. Criteria: Invitae Variant Classification Sherloc (09022015). Collection method: clinical testing. Allele origin: germline.

All of Us Research Program, National Institutes of Health
Classification: Likely benign for Arrhythmogenic cardiomyopathy with wooly hair and keratoderma. Last evaluated: 2024-03-24. Review status: criteria provided, single submitter. Criteria: ACMG Guidelines, 2015. Collection method: clinical testing. Allele origin: germline. Inheritance: Autosomal dominant inheritance. Observed: 1 variant allele, 1 heterozygote.
Comment: This study involves interpretation of variants in research participants for the purpose of population health screening. Participant phenotype was not available at the time of variant classification. Additional details can be found in publication PMID: 35346344, PMCID: PMC8962531